The following is an entry in ClinVar:

NM_018344.6(SLC29A3):c.21C>A (p.Asp7Glu)

Gene: SLC29A3 (solute carrier family 29 member 3; plus strand). Cytogenetic location: 10q22.1.
Variant type: single nucleotide variant.
Coding change: c.21C>A on transcript NM_018344.6 (MANE Select); coding-DNA position 21, C replaced by A.
Protein change: p.Asp7Glu; replaces aspartic acid 7 with glutamic acid.
Molecular consequence: missense variant. On other transcripts: 5 prime UTR variant (1), non-coding transcript variant (2).
Genome position (GRCh38, 1-based): chr10:71,322,775, C>A. VCF-style: chr10-71322775-C-A. GRCh37 (hg19) VCF-style: chr10-73082532-C-A.
Other names: c.21C>A, p.Asp7Glu (NM_001174098.2); c.-214C>A (NM_001363518.2); c.21C>A (NM_018344.5); short protein forms D7E.
Identifiers: ClinVar variation 1387106 (VCV001387106.5), dbSNP rs746298917, ClinGen allele CA5542800.

ClinVar aggregate classification (germline): Uncertain significance. Review status: criteria provided, multiple submitters, no conflicts (2 of 4 stars). 2 submissions from 2 submitters: Uncertain significance (2). Last evaluated 2025-03-13.

Conditions:
H syndrome. Also called: Asrar Facharzt Haque syndrome; Histiocytosis with joint contractures and sensorineural deafness; FAISALABAD HISTIOCYTOSIS; Pigmented hypertrichosis and insulin-dependent diabetes mellitus; HISTIOCYTOSIS AND LYMPHADENOPATHY WITH OR WITHOUT CUTANEOUS, CARDIAC, AND/OR ENDOCRINE FEATURES, JOINT CONTRACTURES, AND/OR DEAFNESS; HYPERPIGMENTATION, CUTANEOUS, WITH HYPERTRICHOSIS, HEPATOSPLENOMEGALY, HEART ANOMALIES, AND HYPOGONADISM WITH OR WITHOUT HEARING LOSS. Identifiers: Orphanet 168569, MedGen C1864445, MONDO:0011273, OMIM 602782.
Inborn genetic diseases. Identifiers: MedGen C0950123, MeSH D030342.

Allele frequency attached by ClinVar (database versions not stated): TOPMed 0.00004.
gnomAD v4.1: 60 of 1,614,020 alleles (0.0037%); highest among the groups gnomAD compares: Non-Finnish European, 0.0049%; no homozygotes.

Submissions (2):

Labcorp Genetics (formerly Invitae), Labcorp
Classification: Uncertain significance for H syndrome. Last evaluated: 2025-03-13. Review status: criteria provided, single submitter. Criteria: Invitae Variant Classification Sherloc (09022015). Collection method: clinical testing. Allele origin: germline.
Comment: This sequence change replaces aspartic acid, which is acidic and polar, with glutamic acid, which is acidic and polar, at codon 7 of the SLC29A3 protein (p.Asp7Glu). This variant is present in population databases (rs746298917, gnomAD 0.0009%). This variant has not been reported in the literature in individuals affected with SLC29A3-related conditions. ClinVar contains an entry for this variant (Variation ID: 1387106). Invitae Evidence Modeling of protein sequence and biophysical properties (such as structural, functional, and spatial information, amino acid conservation, physicochemical variation, residue mobility, and thermodynamic stability) indicates that this missense variant is not expected to disrupt SLC29A3 protein function with a negative predictive value of 80%. In summary, the available evidence is currently insufficient to determine the role of this variant in disease. Therefore, it has been classified as a Variant of Uncertain Significance.

Ambry Genetics
Classification: Uncertain significance for Inborn genetic diseases. Last evaluated: 2022-07-13. Review status: criteria provided, single submitter. Criteria: Ambry Variant Classification Scheme 2023. Collection method: clinical testing. Allele origin: germline.